The following is an entry in ClinVar:

NM_001039348.3(EFEMP1):c.1303G>A (p.Gly435Arg)

Gene: EFEMP1 (EGF-like fibulin extracellular matrix protein 1; minus strand). Cytogenetic location: 2p16.1.
Variant type: single nucleotide variant.
Coding change: c.1303G>A on transcript NM_001039348.3 (MANE Select); coding-DNA position 1303, G replaced by A.
Protein change: p.Gly435Arg; replaces glycine 435 with arginine.
Molecular consequence: missense variant.
Genome position (GRCh38, 1-based): chr2:55,870,737, C>T on the plus strand (G>A on the coding strand, the complement: EFEMP1 is on the minus strand). VCF-style: chr2-55870737-C-T. GRCh37 (hg19) VCF-style: chr2-56097872-C-T.
Other names: c.1303G>A, p.Gly435Arg (NM_001039349.3); c.1303G>A (NM_001039348.2); short protein forms G435R.
Identifiers: ClinVar variation 1042313 (VCV001042313.10), dbSNP rs1432921887, ClinGen allele CA347027843.

ClinVar aggregate classification (germline): Uncertain significance. Review status: criteria provided, multiple submitters, no conflicts (2 of 4 stars). 3 submissions from 3 submitters: Uncertain significance (3). Last evaluated 2025-04-01.

Conditions:
EFEMP1-related disorder. Also called: EFEMP1-related condition.

Allele frequency attached by ClinVar (database versions not stated): gnomAD exomes below 0.00001; TOPMed 0.00001.
gnomAD v4.1: 5 of 1,613,674 alleles (0.00031%); highest among the groups gnomAD compares: South Asian, 0.0033%; no homozygotes.

Submissions (3):

PreventionGenetics, part of Exact Sciences
Classification: Uncertain significance for EFEMP1-related condition. Last evaluated: 2025-04-01. Review status: criteria provided, single submitter. Criteria: ACMG Guidelines, 2015. Collection method: clinical testing. Allele origin: germline.
Comment: The EFEMP1 c.1303G>A variant is predicted to result in the amino acid substitution p.Gly435Arg. This variant has been reported in an individual with high myopia (Table S1, Sun et al. 2015. PubMed ID: 26747767). This variant is reported in 0.0054% of alleles in individuals of East Asian descent in gnomAD. At this time, the clinical significance of this variant is uncertain due to the absence of conclusive functional and genetic evidence.

Labcorp Genetics (formerly Invitae), Labcorp
Classification: Uncertain significance. Last evaluated: 2022-07-26. Review status: criteria provided, single submitter. Criteria: Invitae Variant Classification Sherloc (09022015). Collection method: clinical testing. Allele origin: germline.
Comment: This sequence change replaces glycine, which is neutral and non-polar, with arginine, which is basic and polar, at codon 435 of the EFEMP1 protein (p.Gly435Arg). In summary, the available evidence is currently insufficient to determine the role of this variant in disease. Therefore, it has been classified as a Variant of Uncertain Significance. Algorithms developed to predict the effect of missense changes on protein structure and function output the following: SIFT: "Deleterious"; PolyPhen-2: "Benign"; Align-GVGD: "Class C65". The arginine amino acid residue is found in multiple mammalian species, which suggests that this missense change does not adversely affect protein function. ClinVar contains an entry for this variant (Variation ID: 1042313). This missense change has been observed in individual(s) with early-onset high myopia (PMID: 26747767). This variant is present in population databases (no rsID available, gnomAD 0.006%).

Blueprint Genetics
Classification: Uncertain significance. Last evaluated: 2022-01-14. Review status: criteria provided, single submitter. Criteria: ACMG Guidelines, 2015. Collection method: clinical testing. Allele origin: germline.

Literature cited by the submitters: PubMed 26747767 (cited by Labcorp Genetics (formerly Invitae), Labcorp).